The following is an entry in ClinVar:

NM_033305.3(VPS13A):c.6461A>G (p.His2154Arg)

Gene: VPS13A (vacuolar protein sorting 13 homolog A; plus strand). Cytogenetic location: 9q21.2.
Variant type: single nucleotide variant.
Coding change: c.6461A>G on transcript NM_033305.3 (MANE Select); coding-DNA position 6461, A replaced by G.
Protein change: p.His2154Arg; replaces histidine 2154 with arginine.
Molecular consequence: missense variant.
Genome position (GRCh38, 1-based): chr9:77,339,598, A>G. VCF-style: chr9-77339598-A-G. GRCh37 (hg19) VCF-style: chr9-79954514-A-G.
Other names: c.6344A>G, p.His2115Arg (NM_001018037.2); c.6461A>G, p.His2154Arg (NM_001018038.3, NM_015186.4); short protein forms H2115R, H2154R.
Identifiers: ClinVar variation 3390628 (VCV003390628.3).

ClinVar aggregate classification (germline): Conflicting classifications of pathogenicity. Review status: criteria provided, conflicting classifications (1 of 4 stars). 2 submissions from 2 submitters: Uncertain significance (1); Likely benign (1). Last evaluated 2026-03-06.

Conditions:
Inborn genetic diseases. Identifiers: MedGen C0950123, MeSH D030342.

gnomAD v4.1: 51 of 1,609,420 alleles (0.0032%); highest among the groups gnomAD compares: Non-Finnish European, 0.0042%; no homozygotes.

Submissions (2):

GeneDx
Classification: Uncertain significance. Last evaluated: 2026-03-06. Review status: criteria provided, single submitter. Criteria: GeneDx Variant Classification Process June 2021. Collection method: clinical testing. Allele origin: germline.
Comment: Not observed at significant frequency in large population cohorts (gnomAD); In silico analysis suggests that this missense variant does not alter protein structure/function; Has not been previously published as pathogenic or benign to our knowledge

Ambry Genetics
Classification: Likely benign for Inborn genetic diseases. Last evaluated: 2025-08-19. Review status: criteria provided, single submitter. Criteria: Ambry Variant Classification Scheme 2023. Collection method: clinical testing. Allele origin: germline.